The following is an entry in ClinVar:

NM_213622.4(STAMBP):c.1155G>A (p.Glu385=)

Gene: STAMBP (STAM binding protein; plus strand). Cytogenetic location: 2p13.1.
Variant type: single nucleotide variant.
Coding change: c.1155G>A on transcript NM_213622.4 (MANE Select); coding-DNA position 1155, G replaced by A.
Protein change: p.Glu385=; no amino-acid change (glutamic acid 385 retained).
Molecular consequence: synonymous variant. On other transcripts: non-coding transcript variant (4).
Genome position (GRCh38, 1-based): chr2:73,860,088, G>A. VCF-style: chr2-73860088-G-A. GRCh37 (hg19) VCF-style: chr2-74087215-G-A.
Other names: c.1155G>A, p.Glu385= (NM_001353967.2, NM_001353968.2, NM_001353969.2 and 4 more transcripts); c.750G>A, p.Glu250= (NM_001353971.2, NM_001353972.2, NM_001353973.2 and 3 more transcripts).
Identifiers: ClinVar variation 4873063 (VCV004873063.2).

ClinVar aggregate classification (germline): Likely benign (1 of 4 stars; one submission).

Submission:

CeGaT Center for Human Genetics Tuebingen
Classification: Likely benign. Last evaluated: 2026-05-01. Review status: criteria provided, single submitter. Criteria: CeGaT Center For Human Genetics Tuebingen Variant Classification Criteria Version 2. Collection method: clinical testing. Allele origin: germline. Affected: yes. Observed: 1 variant allele.
Comment: STAMBP: BP4, BP7